The following is an entry in ClinVar:

NM_014956.5(CEP164):c.2752A>G (p.Arg918Gly)

Gene: CEP164 (centrosomal protein 164; plus strand). Cytogenetic location: 11q23.3.
Variant type: single nucleotide variant.
Coding change: c.2752A>G on transcript NM_014956.5 (MANE Select); coding-DNA position 2752, A replaced by G.
Protein change: p.Arg918Gly; replaces arginine 918 with glycine.
Molecular consequence: missense variant.
Genome position (GRCh38, 1-based): chr11:117,394,485, A>G. VCF-style: chr11-117394485-A-G. GRCh37 (hg19) VCF-style: chr11-117265201-A-G.
Other names: c.2761A>G, p.Arg921Gly (NM_001271933.2); short protein forms R918G, R921G.
Identifiers: ClinVar variation 3350235 (VCV003350235.1).

ClinVar aggregate classification (germline): Uncertain significance (0 of 4 stars; one submission).

Conditions:
CEP164-related disorder. Also called: CEP164-related condition.

gnomAD v4.1: 1 of 1,613,822 alleles (0.000062%); highest among the groups gnomAD compares: Admixed American, 0.0017%; no homozygotes.

Submission:

PreventionGenetics, part of Exact Sciences
Classification: Uncertain significance for CEP164-related condition. Last evaluated: 2024-04-01. Review status: no assertion criteria provided. Collection method: clinical testing. Allele origin: germline.
Comment: The CEP164 c.2752A>G variant is predicted to result in the amino acid substitution p.Arg918Gly. To our knowledge, this variant has not been reported in the literature or in a large population database, indicating this variant is rare. At this time, the clinical significance of this variant is uncertain due to the absence of conclusive functional and genetic evidence.